The following is an entry in ClinVar:

ClinVar aggregate classification (germline): Pathogenic. Review status: criteria provided, multiple submitters, no conflicts (2 of 4 stars). 9 submissions from 9 submitters: Pathogenic (8). 1 of the submissions does not count toward it. Last evaluated 2026-02-10.

Conditions:
STAR-related disorder. Also called: STAR-related condition.
Congenital lipoid adrenal hyperplasia due to STAR deficency. Also called: Lipoid adrenal hyperplasia; Cholesterol monooxygenase (side-chain cleaving) deficiency; Congenital Lipoid Adrenal Hyperplasia; ADRENAL HYPERPLASIA I. Identifiers: Orphanet 418, Orphanet 90790, MedGen C0342474, MONDO:0008725, OMIM 201710.

Allele frequency attached by ClinVar (database versions not stated): TOPMed 0.00003; gnomAD exomes 0.00007; ExAC 0.00011.

Submissions (9):

Molecular Genetics and NGS Laboratory, Hospital Fundacion Valle Del Lili
Classification: Pathogenic for Congenital lipoid adrenal hyperplasia due to STAR deficency. Last evaluated: 2026-02-10. Review status: criteria provided, single submitter. Criteria: ACMG Guidelines, 2015. Collection method: clinical testing. Allele origin: germline. Inheritance: Autosomal recessive inheritance. Affected: yes. Observed: 1 homozygote.
Comment: We classify this variant as pathogenic based on the following ACMG criteria: - PVS1: Exon skipping disrupts reading frame. Predicted to undergo NMD, not located in last exon or last 50 bp of preliminary exon. Coding exon number 1 out of 7 coding exons (1 out of total exons). Altered region is critical to protein function. - PM2: gnomAD maximal non founder subpopulations frequency: 0.033%. gnomAD maximal founder subpopulations frequency: 0.0%. PM3: Reported affected cases in the following submissions: ClinVar IDs: VCV000550998.18. PP4: Case phenotype highly suggestive of lipoid adrenal hyperplasia.

Labcorp Genetics (formerly Invitae), Labcorp
Classification: Pathogenic. Last evaluated: 2025-12-24. Review status: criteria provided, single submitter. Criteria: Invitae Variant Classification Sherloc (09022015). Collection method: clinical testing. Allele origin: germline.
Comment: This sequence change affects a donor splice site in intron 1 of the STAR gene. It is expected to disrupt RNA splicing. Variants that disrupt the donor or acceptor splice site typically lead to a loss of protein function (PMID: 16199547), and loss-of-function variants in STAR are known to be pathogenic (PMID: 8948562). This variant is present in population databases (rs765968701, gnomAD 0.04%). Disruption of this splice site has been observed in individual(s) with congenital lipoid adrenal hyperplasia (PMID: 14764819). This variant is also known as IVS+1G>T. ClinVar contains an entry for this variant (Variation ID: 550998). Studies have shown that disruption of this splice site alters mRNA splicing and is expected to lead to the loss of protein expression (PMID: 14764819). For these reasons, this variant has been classified as Pathogenic.

Natera, Inc.
Classification: Pathogenic for Congenital lipoid adrenal hyperplasia. Last evaluated: 2025-12-15. Review status: criteria provided, single submitter. Criteria: Natera Variant Classification Schema (03/2026). Collection method: clinical testing. Allele origin: germline.
Comment: The c.64+1G>T variant in STAR is a canonical splice donor site variant predicted to affect pre-mRNA splicing, which may result in an abnormal transcript and altered protein product. This variant is expected to result in nonsense mediated decay, truncation, or a dysfunctional protein product. This variant is rare in the general population with a frequency below the threshold expected for the associated phenotype(s). This variant has been observed in one or more individuals affected with the associated recessive disease, as either homozygous or compound heterozygous with a second variant (PMID: 14764819, 21714456). Given the available evidence, this variant is classified as Pathogenic.

PreventionGenetics, part of Exact Sciences
Classification: Pathogenic for STAR-related condition. Last evaluated: 2024-10-25. Review status: criteria provided, single submitter. Criteria: ACMG Guidelines, 2015. Collection method: clinical testing. Allele origin: germline.
Comment: The STAR c.64+1G>T variant is predicted to disrupt the GT donor site and interfere with normal splicing. This variant in the homozygous condition has been reported in one individual with congenital lipoid adrenal hyperplasia; and RNA and functional studies suggested that this variant led to abnormal RNA splicing and disrupted the normal protein function (reported as IVS1+ 1G>T in Gonzalez et al. 2004. PubMed ID: 14764819). In addition, similar splicing variants at the same position have been reported to be pathogenic for congenital lipoid adrenal hyperplasia (c.64+1G>A in Baxter et al. 2015. PubMed ID: 25383892; c.64+1G>C in Zhang et al. 2021. PubMed ID: 33227378). The c.64+1G>T variant is reported in 0.043% of alleles in individuals of Latino descent in gnomAD. Variants that disrupt the consensus splice donor site in STAR are expected to be pathogenic. This variant is interpreted as pathogenic.

Fulgent Genetics
Classification: Pathogenic for Congenital lipoid adrenal hyperplasia due to STAR deficency. Last evaluated: 2024-04-17. Review status: criteria provided, single submitter. Criteria: ACMG Guidelines, 2015. Collection method: clinical testing. Allele origin: germline.

GeneDx
Classification: Pathogenic. Last evaluated: 2022-09-06. Review status: criteria provided, single submitter. Criteria: GeneDx Variant Classification Process June 2021. Collection method: clinical testing. Allele origin: germline. Affected: yes.
Comment: Canonical splice site variant predicted to result in a null allele in a gene for which loss of function is a known mechanism of disease; Published functional studies demonstrate a damaging effect with this variant resulting in protein truncation (Gonzalez et al., 2004); This variant is associated with the following publications: (PMID: 31589614, 14764819)

Myriad Genetics, Inc.
Classification: Pathogenic for Congenital lipoid adrenal hyperplasia due to STAR deficency. Last evaluated: 2021-11-10. Review status: criteria provided, single submitter. Criteria: Myriad Women's Health Autosomal Recessive and X-Linked Classification Criteria (2021). Collection method: clinical testing. Allele origin: unknown.
Comment: NM_000349.2(STAR):c.64+1G>T is a canonical splice variant classified as pathogenic in the context of lipoid congenital adrenal hyperplasia. c.64+1G>T has been observed in cases with relevant disease (PMID: 23859637). Functional assessments of this variant are available in the literature (PMID: 14764819). c.64+1G>T has been observed in population frequency databases (gnomAD: AMR 0.04%). In summary, NM_000349.2(STAR):c.64+1G>T is a canonical splice variant in a gene where loss of function is a known mechanism of disease, is predicted to disrupt protein function, and has been observed more frequently in cases with the relevant disease than in healthy populations. Please note: this variant was assessed in the context of healthy population screening.

Blueprint Genetics
Classification: Pathogenic for STAR-related disorders. Last evaluated: 2020-09-30. Review status: criteria provided, single submitter. Criteria: ACMG Guidelines, 2015. Collection method: clinical testing. Allele origin: germline. Affected: yes. Observed: 2 variant alleles.

OMIM
Classification: Pathogenic for LIPOID CONGENITAL ADRENAL HYPERPLASIA. Last evaluated: 2004-02-01. Review status: no assertion criteria provided. Collection method: literature only. Allele origin: germline. Not counted in ClinVar's aggregate classification.

Literature cited by the submitters: DOI 10.1210/jc.2003-030345 (cited by Molecular Genetics and NGS Laboratory, Hospital Fundacion Valle Del Lili); DOI 10.1111/cen.12293 (cited by Molecular Genetics and NGS Laboratory, Hospital Fundacion Valle Del Lili); PubMed 16199547 (cited by Labcorp Genetics (formerly Invitae), Labcorp); PubMed 8948562 (cited by Labcorp Genetics (formerly Invitae), Labcorp); PubMed 14764819 (cited by 4 submitters); PubMed 21714456 (cited by Natera, Inc.); PubMed 23859637 (cited by Myriad Genetics, Inc.).

NM_000349.3(STAR):c.64+1G>T

Gene: STAR (steroidogenic acute regulatory protein; minus strand). Cytogenetic location: 8p11.23.
Variant type: single nucleotide variant.
Coding change: c.64+1G>T on transcript NM_000349.3 (MANE Select); the canonical splice donor site of the intron after coding-DNA position 64, G replaced by T.
Molecular consequence: splice donor variant.
Genome position (GRCh38, 1-based): chr8:38,150,754, C>A on the plus strand (G>T on the coding strand, the complement: STAR is on the minus strand). VCF-style: chr8-38150754-C-A. GRCh37 (hg19) VCF-style: chr8-38008272-C-A.
Other names: IVS1, G-T, +1.
Identifiers: ClinVar variation 550998 (VCV000550998.22), dbSNP rs765968701, ClinGen allele CA4715390.
Genomic context (GRCh38, chr8:38,150,754, plus strand): 5'-CCTGAGCCTCATCCGCTGAGAGCTGGCCAACCCCTCATCGCCTCCTTCCCGCAGCGCTCA[C>A]CCTTCATGTTGCGCATGTGTCTGTAGGAGCTCCCAGCGCACAGCTTGAATGTCGCTAGCA-3'